The following is an entry in ClinVar:

NM_007194.4(CHEK2):c.34T>A (p.Ser12Thr)

Gene: CHEK2 (checkpoint kinase 2; minus strand). Cytogenetic location: 22q12.1.
Variant type: single nucleotide variant.
Coding change: c.34T>A on transcript NM_007194.4 (MANE Select); coding-DNA position 34, T replaced by A.
Protein change: p.Ser12Thr; replaces serine 12 with threonine.
Molecular consequence: missense variant.
Genome position (GRCh38, 1-based): chr22:28,734,688, A>T on the plus strand (T>A on the coding strand, the complement: CHEK2 is on the minus strand). VCF-style: chr22-28734688-A-T. GRCh37 (hg19) VCF-style: chr22-29130676-A-T.
Other names: c.34T>A, p.Ser12Thr (NM_001005735.3, NM_001349956.3, NM_145862.3); c.-744T>A (NM_001257387.3); short protein forms S12T.
Identifiers: ClinVar variation 234453 (VCV000234453.40), dbSNP rs876661027, ClinGen allele CA10577649.
Genomic context (GRCh38, chr22:28,734,688, plus strand): 5'-AGGAGCCTTGGGACTGGGTAACGCTGCCATGGGGCTGTGAACAGGCACTGCTGCCATGAG[A>T]CTGCTGAGCCTCAACATCCGACTCCCGAGACATCACGACCTCAAAAAGAAAGTGTCCAAC-3'
Protein context (NP_009125.1, residues 2-22): SRESDVEAQQ[Ser12Thr]HGSSACSQPH

ClinVar aggregate classification (germline): Uncertain significance. Review status: criteria provided, multiple submitters, no conflicts (2 of 4 stars). 8 submissions from 8 submitters: Uncertain significance (8). Last evaluated 2025-07-01.

Conditions:
Hereditary cancer-predisposing syndrome. Also called: Neoplastic Syndromes, Hereditary; Hereditary Cancer Syndrome; Tumor predisposition; Hereditary neoplastic syndrome. Identifiers: Orphanet 140162, MedGen C0027672, MeSH D009386, MONDO:0015356.
Familial cancer of breast. Also called: Hereditary breast cancer; hereditary breast carcinoma; BREAST CANCER, FAMILIAL. Identifiers: Orphanet 227535, MedGen C0346153, MONDO:0016419, OMIM 114480. Disease mechanism: loss of function.

Allele frequency attached by ClinVar (database versions not stated): gnomAD exomes below 0.00001; gnomAD 0.00001; TOPMed 0.00002.
gnomAD v4.1: 6 of 1,613,764 alleles (0.00037%); highest among the groups gnomAD compares: Non-Finnish European, 0.00051%; no homozygotes.

Submissions (8):

Ambry Genetics
Classification: Uncertain significance for Hereditary cancer-predisposing syndrome. Last evaluated: 2025-07-01. Review status: criteria provided, single submitter. Criteria: Ambry Variant Classification Scheme 2023. Collection method: clinical testing. Allele origin: germline.
Comment: The p.S12T variant (also known as c.34T>A), located in coding exon 1 of the CHEK2 gene, results from a T to A substitution at nucleotide position 34. The serine at codon 12 is replaced by threonine, an amino acid with similar properties. This amino acid position is not well conserved in available vertebrate species. In addition, the in silico prediction for this alteration is inconclusive. Since supporting evidence is limited at this time, the clinical significance of this alteration remains unclear.

Molecular Diagnostics Laboratory, Catalan Institute of Oncology
Classification: Uncertain significance for Hereditary cancer-predisposing syndrome. Last evaluated: 2025-06-25. Review status: criteria provided, single submitter. Criteria: ACMG Guidelines, 2015. Collection method: clinical testing. Allele origin: germline.
Comment: PM2_Supporting, BP4 c.34T>A, located in exon 2 of the CHEK2 gene, is predicted to result in the substitution of Serine by Threonine at codon 12, p.(Ser12Thr). It is not present in the population database gnomAD v2.1.1, non cancer dataset (PM2_Supporting). The SpliceAI algorithm predicts no significant impact on splicing. The REVEL meta-predictor score for this variant (0.208) suggests that it does not affect the protein function according Pejaver 2022 thresholds (PMID: 36413997) (BP4). Experimental studies showed a neutral effect on KAP1 phosphorylation intensity and an intermediate effect on autophosphorylation of CHK2 in in human RPE1-CHEK2-knockout cells (PMID: 37449874). To our knowledge, relevant clinical data have not been reported for this variant. It has only been reported in ClinVar, as an uncertain significance variant. Based on the currently available information, c.34T>A is classified as an uncertain significance variant according to ACMG guidelines.

Women's Health and Genetics/Laboratory Corporation of America, LabCorp
Classification: Uncertain significance. Last evaluated: 2025-04-15. Review status: criteria provided, single submitter. Criteria: LabCorp Variant Classification Summary - May 2015. Collection method: clinical testing. Allele origin: germline.
Comment: Variant summary: CHEK2 c.34T>A (p.Ser12Thr) results in a conservative amino acid change in the encoded protein sequence. Five of five in-silico tools predict a benign effect of the variant on protein function. The variant was absent in 246474 control chromosomes (gnomAD). The available data on variant occurrences in the general population are insufficient to allow any conclusion about variant significance. c.34T>A has been observed in individuals affected with Breast Cancer as well as unaffected controls (Stolarova_2023). This report does not provide unequivocal conclusions about association of the variant with Breast Cancer. This publication also reports experimental evidence evaluating an impact on protein function using CHEK2-complementation assays. The variant resulted in wild type KAP1 phosphorylation and intermediate CHK2 autophosphorylation. The following publication has been ascertained in the context of this evaluation (PMID: 37449874). ClinVar contains an entry for this variant (Variation ID: 234453). Based on the evidence outlined above, the variant was classified as uncertain significance.

CeGaT Center for Human Genetics Tuebingen
Classification: Uncertain significance. Last evaluated: 2025-02-01. Review status: criteria provided, single submitter. Criteria: CeGaT Center For Human Genetics Tuebingen Variant Classification Criteria Version 2. Collection method: clinical testing. Allele origin: germline. Affected: yes. Observed: 1 variant allele.

GeneDx
Classification: Uncertain significance. Last evaluated: 2025-01-07. Review status: criteria provided, single submitter. Criteria: GeneDx Variant Classification Process June 2021. Collection method: clinical testing. Allele origin: germline. Affected: yes.
Comment: Not observed at significant frequency in large population cohorts (gnomAD); In silico analysis indicates that this missense variant does not alter protein structure/function; Has not been previously published as pathogenic or benign to our knowledge; This variant is associated with the following publications: (PMID: 24880342)

Labcorp Genetics (formerly Invitae), Labcorp
Classification: Uncertain significance for Familial cancer of breast. Last evaluated: 2024-04-29. Review status: criteria provided, single submitter. Criteria: Invitae Variant Classification Sherloc (09022015). Collection method: clinical testing. Allele origin: germline.
Comment: This sequence change replaces serine, which is neutral and polar, with threonine, which is neutral and polar, at codon 12 of the CHEK2 protein (p.Ser12Thr). This variant is not present in population databases (gnomAD no frequency). This variant has not been reported in the literature in individuals affected with CHEK2-related conditions. ClinVar contains an entry for this variant (Variation ID: 234453). An algorithm developed to predict the effect of missense changes on protein structure and function (PolyPhen-2) suggests that this variant is likely to be tolerated. In summary, the available evidence is currently insufficient to determine the role of this variant in disease. Therefore, it has been classified as a Variant of Uncertain Significance.

Mendelics
Classification: Uncertain significance. Last evaluated: 2022-05-04. Review status: criteria provided, single submitter. Criteria: Mendelics Assertion Criteria 2019. Collection method: clinical testing. Allele origin: germline.

Color Diagnostics, LLC DBA Color Health
Classification: Uncertain significance for Hereditary cancer-predisposing syndrome. Last evaluated: 2021-11-16. Review status: criteria provided, single submitter. Criteria: ACMG Guidelines, 2015. Collection method: clinical testing. Allele origin: germline.
Comment: This missense variant replaces serine with threonine at codon 12 of the CHEK2 protein. Computational prediction suggests that this variant may not impact protein structure and function (internally defined REVEL score threshold <= 0.5, PMID: 27666373). To our knowledge, functional studies have not been reported for this variant. This variant has not been reported in individuals affected with hereditary cancer in the literature. This variant has not been identified in the general population by the Genome Aggregation Database (gnomAD). The available evidence is insufficient to determine the role of this variant in disease conclusively. Therefore, this variant is classified as a Variant of Uncertain Significance.

Literature cited by the submitters: PubMed 37449874 (cited by Ambry Genetics and Women's Health and Genetics/Laboratory Corporation of America, LabCorp).